The following is an entry in ClinVar:

ClinVar aggregate classification (germline): Uncertain significance. Review status: criteria provided, multiple submitters, no conflicts (2 of 4 stars). 2 submissions from 2 submitters: Uncertain significance (2). Last evaluated 2023-10-01.

Conditions:
Retinal dystrophy. Also called: Inherited retinal dystrophy. Identifiers: Orphanet 71862, MedGen C0854723, MeSH D058499, MONDO:0019118, HP:0000556.

Allele frequency attached by ClinVar (database versions not stated): gnomAD exomes below 0.00001.
gnomAD v4.1: 1 of 1,613,316 alleles (0.000062%); highest among the groups gnomAD compares: Non-Finnish European, 0.000085%; no homozygotes.

Submissions (2):

Dept Of Ophthalmology, Nagoya University
Classification: Uncertain significance for Retinal dystrophy. Last evaluated: 2023-10-01. Review status: criteria provided, single submitter. Criteria: Submitter's publication. Collection method: research. Allele origin: germline. Affected: yes.

Labcorp Genetics (formerly Invitae), Labcorp
Classification: Uncertain significance. Last evaluated: 2022-03-10. Review status: criteria provided, single submitter. Criteria: Invitae Variant Classification Sherloc (09022015). Collection method: clinical testing. Allele origin: germline.
Comment: This sequence change replaces glycine, which is neutral and non-polar, with aspartic acid, which is acidic and polar, at codon 148 of the RP1 protein (p.Gly148Asp). This variant is not present in population databases (gnomAD no frequency). This variant has not been reported in the literature in individuals affected with RP1-related conditions. Algorithms developed to predict the effect of missense changes on protein structure and function are either unavailable or do not agree on the potential impact of this missense change (SIFT: "Tolerated"; PolyPhen-2: "Possibly Damaging"; Align-GVGD: "Class C0"). In summary, the available evidence is currently insufficient to determine the role of this variant in disease. Therefore, it has been classified as a Variant of Uncertain Significance.

NM_006269.2(RP1):c.443G>A (p.Gly148Asp)

Gene: RP1 (RP1 axonemal microtubule associated; plus strand). Cytogenetic location: 8q12.1.
Variant type: single nucleotide variant.
Coding change: c.443G>A on transcript NM_006269.2 (MANE Select); coding-DNA position 443, G replaced by A.
Protein change: p.Gly148Asp; replaces glycine 148 with aspartic acid.
Molecular consequence: missense variant.
Genome position (GRCh38, 1-based): chr8:54,621,409, G>A. VCF-style: chr8-54621409-G-A. GRCh37 (hg19) VCF-style: chr8-55533969-G-A.
Other names: c.443G>A, p.Gly148Asp (NM_001375654.1); short protein forms G148D.
Identifiers: ClinVar variation 1416094 (VCV001416094.7), dbSNP rs866545331, ClinGen allele CA177234445.